The following is an entry in ClinVar:

ClinVar aggregate classification (germline): Pathogenic. Review status: reviewed by expert panel (3 of 4 stars). 9 submissions from 9 submitters: Pathogenic (1). 8 of the submissions do not count toward it. Last evaluated 2023-12-30.

Conditions:
Phenylketonuria (PKU). Also called: Phenylketonuria (PKU); FOLLING DISEASE; OLIGOPHRENIA PHENYLPYRUVICA; Phenylketonurias. Identifiers: Orphanet 716, MedGen C0031485, MONDO:0009861, OMIM 261600. Disease mechanism: loss of function.

Allele frequency attached by ClinVar (database versions not stated): gnomAD 0.00001; gnomAD exomes below 0.00001; TOPMed 0.00001.
gnomAD v4.1: 7 of 1,613,600 alleles (0.00043%); highest among the groups gnomAD compares: Non-Finnish European, 0.00059%; no homozygotes.

Submissions (9):

ClinGen PAH Variant Curation Expert Panel
Classification: Pathogenic for Phenylketonuria. Last evaluated: 2023-12-30. Review status: reviewed by expert panel. Criteria: ClinGen PAH ACMG Specifications v1. Collection method: curation. Allele origin: germline. Inheritance: Autosomal recessive inheritance.
Comment: The NM_000277.1(PAH):c.941C>A (p.Pro314His) variant is a missense variant in exon 9/13 of PAH. It has been found to result in 15% of wild-type PAH enzyme activity in a standard cDNA system and 5% of wild-type PAH enzyme activity in an Intinc system (PMID: 18590700) (PS3_supporting). It has been noted in at least five patients, including in trans with Pathogenic or Likely Pathogenic variants and among those whom BH4 deficiency had been excluded (PM3_VeryStrong (4.25 points total); PP4_Moderate). It has been noted in 3 PKU patients: one in trans with the p.I94del variant (unclassified) and in two in trans with the p.Y277D variant (Pathogenic in ClinVar and per ClinGen PAH VCEP) (PMID: 23842451). It has been found in a patient with mild hyperphenylalanemia (plasma Phe 456 umol/L) and BH4 deficiency excluded, in trans with the p.R155H variant (Pathogenic in ClinVar and per ClinGen PAH VCEP) (PMID: 28593914). The variant is absent from ethnically diverse control databases, including gnomAD/ExAC, 1000 Genomes, and ESP (PM2_supporting). The variant is predicted damaging by multiple in-silico missense predictors, including REVEL (REVEL score 0.91) (PP3). Classification: Pathogenic Supporting Criteria: PS3_supporting; PM2_supporting; PM3_VeryStrong; PP4_Moderate; PP3

Baylor Genetics
Classification: Pathogenic for Phenylketonuria. Last evaluated: 2024-03-30. Review status: criteria provided, single submitter. Criteria: ACMG Guidelines, 2015. Collection method: clinical testing. Allele origin: unknown. Not counted in ClinVar's aggregate classification.

Labcorp Genetics (formerly Invitae), Labcorp
Classification: Pathogenic for Phenylketonuria. Last evaluated: 2023-09-01. Review status: criteria provided, single submitter. Criteria: Invitae Variant Classification Sherloc (09022015). Collection method: clinical testing. Allele origin: germline. Not counted in ClinVar's aggregate classification.
Comment: This missense change has been observed in individual(s) with phenylketonuria (PMID: 8807319). For these reasons, this variant has been classified as Pathogenic. This variant disrupts the p.Pro314 amino acid residue in PAH. Other variant(s) that disrupt this residue have been determined to be pathogenic (PMID: 24401910, 28982351, 29390883). This suggests that this residue is clinically significant, and that variants that disrupt this residue are likely to be disease-causing. Algorithms developed to predict the effect of sequence changes on RNA splicing suggest that this variant may disrupt the consensus splice site. Experimental studies have shown that this missense change affects PAH function (PMID: 18590700). Advanced modeling of protein sequence and biophysical properties (such as structural, functional, and spatial information, amino acid conservation, physicochemical variation, residue mobility, and thermodynamic stability) performed at Invitae indicates that this missense variant is expected to disrupt PAH protein function. ClinVar contains an entry for this variant (Variation ID: 102907). This variant is not present in population databases (gnomAD no frequency). This sequence change replaces proline, which is neutral and non-polar, with histidine, which is basic and polar, at codon 314 of the PAH protein (p.Pro314His).

Women's Health and Genetics/Laboratory Corporation of America, LabCorp
Classification: Pathogenic for Phenylketonuria. Last evaluated: 2019-08-29. Review status: criteria provided, single submitter. Criteria: LabCorp Variant Classification Summary - May 2015. Collection method: clinical testing. Allele origin: germline. Not counted in ClinVar's aggregate classification.
Comment: Variant summary: PAH c.941C>A (p.Pro314His) results in a non-conservative amino acid change located in the catalytic domain (IPR041912) of the encoded protein sequence. Five of five in-silico tools predict a damaging effect of the variant on protein function. The variant was absent in 251290 control chromosomes (gnomAD). c.941C>A has been reported in the literature in multiple individuals affected with Phenylalanine Hydroxylase Deficiency (Phenylketonuria) (e.g. Guldberg_1998, Anjema_2013, Vela-Amieva_2015). These data indicate that the variant is very likely to be associated with disease. A publication reported experimental evidence using an in vitro expression system, and demonstrated that the variant significantly reduced enzyme activity, as well as (in addition to its protein level effects) it also increased exon 9 skipping by disrupting exonic splicing enhancer (ESE) motifs (Ho_2008). Two ClinVar submissions (evaluation after 2014) cite the variant as likely pathogenic. Based on the evidence outlined above, the variant was classified as pathogenic.

Revvity Omics, Revvity
Classification: Likely pathogenic for Phenylketonuria. Last evaluated: 2019-04-05. Review status: criteria provided, single submitter. Criteria: ACMG Guidelines, 2015. Collection method: clinical testing. Allele origin: germline. Not counted in ClinVar's aggregate classification.

Clinical Genetics DNA and cytogenetics Diagnostics Lab, Erasmus MC, Erasmus Medical Center
Classification: Likely pathogenic for Phenylketonuria. Last evaluated: 2016-01-04. Review status: criteria provided, single submitter. Criteria: ACGS Guidelines, 2013. Collection method: clinical testing. Allele origin: germline. Affected: yes. Study: VKGL Data-share Consensus. Not counted in ClinVar's aggregate classification.

Genome Diagnostics Laboratory, University Medical Center Utrecht
Classification: Pathogenic for Phenylketonuria. Last evaluated: 2014-10-08. Review status: criteria provided, single submitter. Criteria: ACGS Guidelines, 2013. Collection method: clinical testing. Allele origin: germline. Affected: yes. Study: VKGL Data-share Consensus. Not counted in ClinVar's aggregate classification.

Counsyl
Classification: Likely pathogenic for Phenylketonuria. Last evaluated: 2016-07-12. Review status: no assertion criteria provided. Collection method: clinical testing. Allele origin: unknown. Not counted in ClinVar's aggregate classification.

DeBelle Laboratory for Biochemical Genetics, MUHC/MCH RESEARCH INSTITUTE
No classification provided. Review status: no classification provided. Collection method: not provided. Allele origin: not provided. Not counted in ClinVar's aggregate classification.

Literature cited by the submitters: PubMed 23690520 (cited by ClinGen PAH Variant Curation Expert Panel); PubMed 8807319 (cited by Labcorp Genetics (formerly Invitae), Labcorp and Counsyl); PubMed 24401910 (cited by Labcorp Genetics (formerly Invitae), Labcorp); PubMed 28982351 (cited by Labcorp Genetics (formerly Invitae), Labcorp); PubMed 29390883 (cited by Labcorp Genetics (formerly Invitae), Labcorp); PubMed 18590700 (cited by 3 submitters); PubMed 9634518 (cited by Women's Health and Genetics/Laboratory Corporation of America, LabCorp and Counsyl); PubMed 23842451 (cited by Women's Health and Genetics/Laboratory Corporation of America, LabCorp and Counsyl); PubMed 24941924 (cited by Women's Health and Genetics/Laboratory Corporation of America, LabCorp and Counsyl).

NM_000277.3(PAH):c.941C>A (p.Pro314His)

Gene: PAH (phenylalanine hydroxylase; minus strand). Cytogenetic location: 12q23.2.
Variant type: single nucleotide variant.
Coding change: c.941C>A on transcript NM_000277.3 (MANE Select); coding-DNA position 941, C replaced by A.
Protein change: p.Pro314His; replaces proline 314 with histidine.
Molecular consequence: missense variant.
Genome position (GRCh38, 1-based): chr12:102,846,923, G>T on the plus strand (C>A on the coding strand, the complement: PAH is on the minus strand). VCF-style: chr12-102846923-G-T. GRCh37 (hg19) VCF-style: chr12-103240701-G-T.
Other names: NM_000277.1(PAH):c.941C>A; c.941C>A, p.Pro314His (NM_001354304.2); short protein forms P314H.
Identifiers: ClinVar variation 102907 (VCV000102907.18), dbSNP rs62642940, ClinGen allele CA229867.
Genomic context (GRCh38, chr12:102,846,923, plus strand): 5'-CCACCATCCACCCAGGGAGAGAAGGGACTTACTGTGGCGAGCTTTTCAATGTATTCATCA[G>T]GTGCACCCAGAGAGGCAAGGCCAATTTCCTGTAATTGGGGGAAAATAGAACCTGTTCTGT-3'
Protein context (NP_000268.1, residues 304-324): QEIGLASLGA[Pro314His]DEYIEKLATI